The following is an entry in ClinVar:

ClinVar aggregate classification (germline): Uncertain significance (1 of 4 stars; one submission).

Conditions:
Amyotrophic lateral sclerosis type 1 (ALS1). Also called: AMYOTROPHIC LATERAL SCLEROSIS 1, FAMILIAL. Identifiers: Orphanet 803, MedGen C1862939, MONDO:0007103, OMIM 105400.
Neuronopathy, distal hereditary motor, type 7B. Also called: NEURONOPATHY, DISTAL HEREDITARY MOTOR, AUTOSOMAL DOMINANT 14; NEURONOPATHY, DISTAL HEREDITARY MOTOR, HARDING TYPE VIIB; NEUROPATHY, DISTAL HEREDITARY MOTOR, HARDING TYPE VIIB; NEUROPATHY, DISTAL HEREDITARY MOTOR, WITH VOCAL CORD PARALYSIS, HARDING TYPE VIIB; HMN VIIB; LOWER MOTOR NEURON DISEASE, DYNACTIN TYPE. Identifiers: Orphanet 139589, MedGen C1843315, MONDO:0011879, OMIM 607641.
Perry syndrome. Also called: PARKINSONISM WITH ALVEOLAR HYPOVENTILATION AND MENTAL DEPRESSION. Identifiers: Orphanet 178509, MedGen C1868594, MONDO:0008201, OMIM 168605.

Submission:

Labcorp Genetics (formerly Invitae), Labcorp
Classification: Uncertain significance for Amyotrophic lateral sclerosis type 1; Neuronopathy, distal hereditary motor, type 7B; Perry syndrome. Last evaluated: 2024-08-29. Review status: criteria provided, single submitter. Criteria: Invitae Variant Classification Sherloc (09022015). Collection method: clinical testing. Allele origin: germline.
Comment: This sequence change creates a premature translational stop signal (p.Pro209Argfs*12) in the DCTN1 gene. It is expected to result in an absent or disrupted protein product. However, the current clinical and genetic evidence is not sufficient to establish whether loss-of-function variants in DCTN1 cause disease. This variant is not present in population databases (gnomAD no frequency). This variant has not been reported in the literature in individuals affected with DCTN1-related conditions. In summary, the available evidence is currently insufficient to determine the role of this variant in disease. Therefore, it has been classified as a Variant of Uncertain Significance.

NM_004082.5(DCTN1):c.626del (p.Pro209fs)

Gene: DCTN1 (dynactin subunit 1; minus strand). Cytogenetic location: 2p13.1.
Variant type: Deletion.
Coding change: c.626del on transcript NM_004082.5 (MANE Select); coding-DNA position 626, one base deleted (C; older notation c.626delC).
Protein change: p.Pro209fs; shifts the reading frame from proline 209.
Molecular consequence: frameshift variant. On other transcripts: non-coding transcript variant (1).
Genome position (GRCh38, 1-based): chr2:74,371,556, G deleted on the plus strand (C on the coding strand, the reverse complement: DCTN1 is on the minus strand); the first of 6 consecutive G bases (chr2:74,371,556-74,371,561); deleting any one gives the same sequence. VCF-style (leftmost placement, unchanged base first): chr2-74371555-CG-C. GRCh37 (hg19) VCF-style: chr2-74598682-CG-C.
Other names: c.566del, p.Pro189fs (NM_001135040.3); c.224del, p.Pro75fs (NM_001135041.3, NM_023019.4); c.515del, p.Pro172fs (NM_001190836.2); c.605del, p.Pro202fs (NM_001190837.2); c.575del, p.Pro192fs (NM_001378991.1); c.557del, p.Pro186fs (NM_001378992.1); short protein forms P172fs, P186fs, P189fs, P192fs, P202fs, P209fs, P75fs.
Identifiers: ClinVar variation 3749367 (VCV003749367.2).